The following is an entry in ClinVar:

ClinVar aggregate classification (germline): Uncertain significance (0 of 4 stars; one submission).

Conditions:
PLXNA3-related disorder. Also called: PLXNA3-related condition.

gnomAD v4.1: 5 of 1,210,001 alleles (0.00041%); highest among the groups gnomAD compares: East Asian, 0.0059%; no homozygotes.

Submission:

PreventionGenetics, part of Exact Sciences
Classification: Uncertain significance for PLXNA3-related condition. Last evaluated: 2024-04-09. Review status: no assertion criteria provided. Collection method: clinical testing. Allele origin: germline.
Comment: The PLXNA3 c.4372G>A variant is predicted to result in the amino acid substitution p.Glu1458Lys. To our knowledge, this variant has not been reported in the literature. This variant is reported in 0.0072% of alleles in individuals of East Asian descent in gnomAD. At this time, the clinical significance of this variant is uncertain due to the absence of conclusive functional and genetic evidence.

NM_017514.5(PLXNA3):c.4372G>A (p.Glu1458Lys)

Gene: PLXNA3 (plexin A3; plus strand). Cytogenetic location: Xq28.
Variant type: single nucleotide variant.
Coding change: c.4372G>A on transcript NM_017514.5 (MANE Select); coding-DNA position 4372, G replaced by A.
Protein change: p.Glu1458Lys; replaces glutamic acid 1458 with lysine.
Molecular consequence: missense variant.
Genome position (GRCh38, 1-based): chrX:154,468,907, G>A. VCF-style: chrX-154468907-G-A. GRCh37 (hg19) VCF-style: chrX-153697250-G-A.
Other names: short protein forms E1458K.
Identifiers: ClinVar variation 3356249 (VCV003356249.1).
Genomic context (GRCh38, chrX:154,468,907, plus strand): 5'-CTGCTTTACTGTGCCATCAAGCAGCAGATGGAGAAGGGCCCCATTGATGCCATCACGGGC[G>A]AGGCACGATACTCCCTGAGCGAGGACAAGCTCATCCGTCAGCAGATCGACTACAAGACAC-3'
Protein context (NP_059984.3, residues 1448-1468): EKGPIDAITG[Glu1458Lys]ARYSLSEDKL